The following is an entry in ClinVar:

ClinVar aggregate classification (germline): Uncertain significance (1 of 4 stars; one submission).

Conditions:
Microcephaly, normal intelligence and immunodeficiency (NBS). Also called: BERLIN BREAKAGE SYNDROME; Ataxia telangiectasia variant V1; IMMUNODEFICIENCY, MICROCEPHALY, AND CHROMOSOMAL INSTABILITY; SEEMANOVA SYNDROME II; Immunodeficiency, microcephaly with normal intelligence; Nijmegen breakage syndrome. Identifiers: Orphanet 647, MedGen C0398791, MONDO:0009623, OMIM 251260.

Submission:

Labcorp Genetics (formerly Invitae), Labcorp
Classification: Uncertain significance for Microcephaly, normal intelligence and immunodeficiency. Last evaluated: 2022-02-13. Review status: criteria provided, single submitter. Criteria: Invitae Variant Classification Sherloc (09022015). Collection method: clinical testing. Allele origin: germline.
Comment: Algorithms developed to predict the effect of missense changes on protein structure and function are either unavailable or do not agree on the potential impact of this missense change (SIFT: "Deleterious"; PolyPhen-2: "Possibly Damaging"; Align-GVGD: "Class C0"). ClinVar contains an entry for this variant (Variation ID: 628793). This variant has not been reported in the literature in individuals affected with NBN-related conditions. This variant is not present in population databases (gnomAD no frequency). In summary, the available evidence is currently insufficient to determine the role of this variant in disease. Therefore, it has been classified as a Variant of Uncertain Significance. This sequence change replaces serine, which is neutral and polar, with proline, which is neutral and non-polar, at codon 278 of the NBN protein (p.Ser278Pro).

NM_002485.5(NBN):c.832T>C (p.Ser278Pro)

Gene: NBN (nibrin; minus strand). Cytogenetic location: 8q21.3.
Variant type: single nucleotide variant.
Coding change: c.832T>C on transcript NM_002485.5 (MANE Select); coding-DNA position 832, T replaced by C.
Protein change: p.Ser278Pro; replaces serine 278 with proline.
Molecular consequence: missense variant.
Genome position (GRCh38, 1-based): chr8:89,970,428, A>G on the plus strand (T>C on the coding strand, the complement: NBN is on the minus strand). VCF-style: chr8-89970428-A-G. GRCh37 (hg19) VCF-style: chr8-90982656-A-G.
Other names: c.586T>C, p.Ser196Pro (NM_001024688.3); short protein forms S278P, S196P.
Identifiers: ClinVar variation 628793 (VCV000628793.7), dbSNP rs1225178489, ClinGen allele CA371658498.